The following is an entry in ClinVar:

ClinVar aggregate classification (germline): Conflicting classifications of pathogenicity. Review status: criteria provided, conflicting classifications (1 of 4 stars). 4 submissions from 4 submitters: Uncertain significance (1); Benign (1); Likely benign (2). Last evaluated 2026-01-25.

Conditions:
Glycogen storage disease IXa1. Also called: LIVER GLYCOGENOSIS, X-LINKED, TYPE I; GLYCOGEN STORAGE DISEASE VIII; GSD VIII; Glycogen storage disease 8. Identifiers: Orphanet 264580, MedGen C3694531, MONDO:0010598, OMIM 306000.
Inborn genetic diseases. Identifiers: MedGen C0950123, MeSH D030342.
PHKA2-related disorder. Also called: PHKA2-related condition.

Allele frequency attached by ClinVar (database versions not stated): gnomAD below 0.00001 and 0.00002; TOPMed 0.00002; gnomAD exomes 0.00009 and 0.00014; ExAC 0.00020.
gnomAD v4.1: 103 of 1,206,307 alleles (0.0085%); highest among the groups gnomAD compares: South Asian, 0.14%; no homozygotes.

Submissions (4):

Labcorp Genetics (formerly Invitae), Labcorp
Classification: Benign for Glycogen storage disease IXa1. Last evaluated: 2026-01-25. Review status: criteria provided, single submitter. Criteria: Invitae Variant Classification Sherloc (09022015). Collection method: clinical testing. Allele origin: germline.

PreventionGenetics, part of Exact Sciences
Classification: Likely benign for PHKA2-related condition. Last evaluated: 2024-11-11. Review status: criteria provided, single submitter. Criteria: ACMG Guidelines, 2015. Collection method: clinical testing. Allele origin: germline.
Comment: This variant is classified as likely benign based on ACMG/AMP sequence variant interpretation guidelines (Richards et al. 2015 PMID: 25741868, with internal and published modifications).

Ambry Genetics
Classification: Likely benign for Inborn genetic diseases. Last evaluated: 2022-12-16. Review status: criteria provided, single submitter. Criteria: Ambry Variant Classification Scheme 2023. Collection method: clinical testing. Allele origin: germline.

Genomic Research Center, Shahid Beheshti University of Medical Sciences
Classification: Uncertain significance for Glycogen storage disease IXa1. Last evaluated: 2017-12-03. Review status: criteria provided, single submitter. Criteria: ACMG Guidelines, 2015. Collection method: clinical testing. Allele origin: inherited.

NM_000292.3(PHKA2):c.3064T>A (p.Ser1022Thr)

Gene: PHKA2 (phosphorylase kinase regulatory subunit alpha 2; minus strand). Cytogenetic location: Xp22.13.
Variant type: single nucleotide variant.
Coding change: c.3064T>A on transcript NM_000292.3 (MANE Select); coding-DNA position 3064, T replaced by A.
Protein change: p.Ser1022Thr; replaces serine 1022 with threonine.
Molecular consequence: missense variant.
Genome position (GRCh38, 1-based): chrX:18,899,220, A>T on the plus strand (T>A on the coding strand, the complement: PHKA2 is on the minus strand). VCF-style: chrX-18899220-A-T. GRCh37 (hg19) VCF-style: chrX-18917338-A-T.
Other names: short protein forms S1022T.
Identifiers: ClinVar variation 522762 (VCV000522762.7), dbSNP rs773766679, ClinGen allele CA10361457.